The following is an entry in ClinVar:

NM_000059.4(BRCA2):c.560A>T (p.Glu187Val)

Gene: BRCA2 (BRCA2 DNA repair associated; plus strand). Cytogenetic location: 13q13.1.
Variant type: single nucleotide variant.
Coding change: c.560A>T on transcript NM_000059.4 (MANE Select); coding-DNA position 560, A replaced by T.
Protein change: p.Glu187Val; replaces glutamic acid 187 with valine.
Molecular consequence: missense variant.
Genome position (GRCh38, 1-based): chr13:32,326,542, A>T. VCF-style: chr13-32326542-A-T. GRCh37 (hg19) VCF-style: chr13-32900679-A-T.
Other names: c.560A>T (NM_000059.3); short protein forms E187V.
Identifiers: ClinVar variation 1002572 (VCV001002572.12), dbSNP rs2072349711, ClinGen allele CA387757929.
Genomic context (GRCh38, chr13:32,326,542, plus strand): 5'-ATTTTCTTTCCTCCCAGGGTCGTCAGACACCAAAACATATTTCTGAAAGTCTAGGAGCTG[A>T]GGTGGATCCTGATATGTCTTGGTCAAGTTCTTTAGCTACACCACCCACCCTTAGTTCTAC-3'
Protein context (NP_000050.3, residues 177-197): PKHISESLGA[Glu187Val]VDPDMSWSSS

ClinVar aggregate classification (germline): Uncertain significance. Review status: criteria provided, multiple submitters, no conflicts (2 of 4 stars). 3 submissions from 3 submitters: Uncertain significance (3). Last evaluated 2023-09-08.

Conditions:
Hereditary cancer-predisposing syndrome. Also called: Neoplastic Syndromes, Hereditary; Tumor predisposition; Hereditary Cancer Syndrome; Hereditary neoplastic syndrome. Identifiers: Orphanet 140162, MedGen C0027672, MeSH D009386, MONDO:0015356.
Hereditary breast ovarian cancer syndrome. Also called: Hereditary breast and ovarian cancer syndrome; Hereditary breast and/or ovarian cancer syndrome; Hereditary breast and ovarian cancer syndrome (HBOC); Breast and ovarian cancer; BRCA1- and BRCA2-Associated Hereditary Breast and Ovarian Cancer; Hereditary breast and ovarian cancer. Identifiers: Orphanet 145, MedGen C0677776, MeSH D061325, MONDO:0003582. Disease mechanism: loss of function.
Familial cancer of breast. Also called: Hereditary breast cancer; hereditary breast carcinoma; BREAST CANCER, FAMILIAL. Identifiers: Orphanet 227535, MedGen C0346153, MONDO:0016419, OMIM 114480. Disease mechanism: loss of function.

Allele frequency attached by ClinVar (database versions not stated): gnomAD exomes below 0.00001.

Submissions (3):

Baylor Genetics
Classification: Uncertain significance for Familial cancer of breast. Last evaluated: 2023-09-08. Review status: criteria provided, single submitter. Criteria: ACMG Guidelines, 2015. Collection method: clinical testing. Allele origin: unknown.

Ambry Genetics
Classification: Uncertain significance for Hereditary cancer-predisposing syndrome. Last evaluated: 2022-11-17. Review status: criteria provided, single submitter. Criteria: Ambry Variant Classification Scheme 2023. Collection method: clinical testing. Allele origin: germline.
Comment: The p.E187V variant (also known as c.560A>T), located in coding exon 6 of the BRCA2 gene, results from an A to T substitution at nucleotide position 560. The glutamic acid at codon 187 is replaced by valine, an amino acid with dissimilar properties. This amino acid position is highly conserved in available vertebrate species. In addition, the in silico prediction for this alteration is inconclusive. Since supporting evidence is limited at this time, the clinical significance of this alteration remains unclear.

Labcorp Genetics (formerly Invitae), Labcorp
Classification: Uncertain significance for Hereditary breast ovarian cancer syndrome. Last evaluated: 2021-10-08. Review status: criteria provided, single submitter. Criteria: Invitae Variant Classification Sherloc (09022015). Collection method: clinical testing. Allele origin: germline.
Comment: This variant is not present in population databases (ExAC no frequency). This sequence change replaces glutamic acid with valine at codon 187 of the BRCA2 protein (p.Glu187Val). The glutamic acid residue is highly conserved and there is a moderate physicochemical difference between glutamic acid and valine. This variant has not been reported in the literature in individuals affected with BRCA2-related conditions. Algorithms developed to predict the effect of missense changes on protein structure and function (SIFT, PolyPhen-2, Align-GVGD) all suggest that this variant is likely to be disruptive. In summary, the available evidence is currently insufficient to determine the role of this variant in disease. Therefore, it has been classified as a Variant of Uncertain Significance.